The following is an entry in ClinVar:

NM_022463.5(NXN):c.182G>C (p.Arg61Pro)

Gene: NXN (nucleoredoxin; minus strand). Cytogenetic location: 17p13.3.
Variant type: single nucleotide variant.
Coding change: c.182G>C on transcript NM_022463.5 (MANE Select); coding-DNA position 182, G replaced by C.
Protein change: p.Arg61Pro; replaces arginine 61 with proline.
Molecular consequence: missense variant.
Genome position (GRCh38, 1-based): chr17:979,497, C>G on the plus strand (G>C on the coding strand, the complement: NXN is on the minus strand). VCF-style: chr17-979497-C-G. GRCh37 (hg19) VCF-style: chr17-882737-C-G.
Other names: short protein forms R61P.
Identifiers: ClinVar variation 1510224 (VCV001510224.6), dbSNP rs1417281205, ClinGen allele CA397511689.
Genomic context (GRCh38, chr17:979,497, plus strand): 5'-TCGGGCTCCGCCGCCGCCCCGGCCCCCGCTCCCGGCCCCGGCCCGGCCGCCGCGTCCCCC[C>G]GCAGGCGCCCGTAGAAGGCGGCCAGGCTGGCGCTGAGCTGCGCGCAGGGGGCGCTGAGGC-3'
Protein context (NP_071908.2, residues 51-71): ASLAAFYGRL[Arg61Pro]GDAAAGPGPG

ClinVar aggregate classification (germline): Uncertain significance (1 of 4 stars; one submission).

Allele frequency attached by ClinVar (database versions not stated): TOPMed 0.00001.
gnomAD v4.1: 8 of 1,216,098 alleles (0.00066%); highest among the groups gnomAD compares: Admixed American, 0.0042%; no homozygotes.

Submission:

Labcorp Genetics (formerly Invitae), Labcorp
Classification: Uncertain significance. Last evaluated: 2022-06-13. Review status: criteria provided, single submitter. Criteria: Invitae Variant Classification Sherloc (09022015). Collection method: clinical testing. Allele origin: germline.
Comment: This variant has not been reported in the literature in individuals affected with NXN-related conditions. In summary, the available evidence is currently insufficient to determine the role of this variant in disease. Therefore, it has been classified as a Variant of Uncertain Significance. Algorithms developed to predict the effect of missense changes on protein structure and function (SIFT, PolyPhen-2, Align-GVGD) all suggest that this variant is likely to be tolerated. This sequence change replaces arginine, which is basic and polar, with proline, which is neutral and non-polar, at codon 61 of the NXN protein (p.Arg61Pro). The frequency data for this variant in the population databases is considered unreliable, as metrics indicate poor data quality at this position in the gnomAD database.